The following is an entry in ClinVar:

NM_194248.3(OTOF):c.2632G>A (p.Glu878Lys)

Gene: OTOF (otoferlin; minus strand). Cytogenetic location: 2p23.3.
Variant type: single nucleotide variant.
Coding change: c.2632G>A on transcript NM_194248.3 (MANE Select); coding-DNA position 2632, G replaced by A.
Protein change: p.Glu878Lys; replaces glutamic acid 878 with lysine.
Molecular consequence: missense variant.
Genome position (GRCh38, 1-based): chr2:26,476,935, C>T on the plus strand (G>A on the coding strand, the complement: OTOF is on the minus strand). VCF-style: chr2-26476935-C-T. GRCh37 (hg19) VCF-style: chr2-26699803-C-T.
Other names: c.2632G>A, p.Glu878Lys (NM_001287489.2); c.391G>A, p.Glu131Lys (NM_004802.4, NM_194323.3); c.562G>A, p.Glu188Lys (NM_194322.3); short protein forms E131K, E188K, E878K.
Identifiers: ClinVar variation 993377 (VCV000993377.8), dbSNP rs1172733523, ClinGen allele CA346119247.

ClinVar aggregate classification (germline): Uncertain significance (1 of 4 stars; one submission).

Allele frequency attached by ClinVar (database versions not stated): TOPMed 0.00001.
gnomAD v4.1: 7 of 1,611,058 alleles (0.00043%); highest among the groups gnomAD compares: South Asian, 0.0011%; no homozygotes.

Submission:

ARUP Laboratories, Molecular Genetics and Genomics, ARUP Laboratories
Classification: Uncertain significance. Last evaluated: 2019-11-18. Review status: criteria provided, single submitter. Criteria: ARUP Molecular Germline Variant Investigation Process. Collection method: clinical testing. Allele origin: germline.
Comment: The OTOF c.2632G>A; p.Glu878Lys variant, to our knowledge, is not reported in the medical literature or gene specific databases. This variant is also absent from general population databases (Exome Variant Server, Genome Aggregation Database), indicating it is not a common polymorphism. The glutamic acid at codon 878 is moderately conserved, and computational analyses (SIFT: damaging, PolyPhen-2: benign) predict conflicting effects of this variant on protein structure/function. Due to limited information, the clinical significance of this variant is uncertain at this time.